The following is an entry in ClinVar:

NM_001378452.1(ITPR1):c.6784A>T (p.Met2262Leu)

Gene: ITPR1 (inositol 1,4,5-trisphosphate receptor type 1; plus strand). Cytogenetic location: 3p26.1.
Variant type: single nucleotide variant.
Coding change: c.6784A>T on transcript NM_001378452.1 (MANE Select); coding-DNA position 6784, A replaced by T.
Protein change: p.Met2262Leu; replaces methionine 2262 with leucine.
Molecular consequence: missense variant.
Genome position (GRCh38, 1-based): chr3:4,788,115, A>T. VCF-style: chr3-4788115-A-T. GRCh37 (hg19) VCF-style: chr3-4829799-A-T.
Other names: c.6640A>T, p.Met2214Leu (NM_001099952.4); c.6739A>T, p.Met2247Leu (NM_001168272.2); c.6595A>T, p.Met2199Leu (NM_002222.7); short protein forms M2247L, M2199L, M2262L, M2214L.
Identifiers: ClinVar variation 5006630 (VCV005006630.2).

ClinVar aggregate classification (germline): Uncertain significance (1 of 4 stars; one submission).

Conditions:
Spinocerebellar ataxia type 15/16 (SCA15). Also called: Spinocerebellar Ataxia Type 15. Identifiers: Orphanet 98769, MedGen C1847725, MONDO:0011694, OMIM 606658.
Spinocerebellar ataxia type 29 (SCA29). Also called: Spinocerebellar ataxia 29, congenital nonprogressive; CEREBELLAR ATAXIA, CONGENITAL NONPROGRESSIVE, AUTOSOMAL DOMINANT. Identifiers: Orphanet 208513, MedGen C1861732, MONDO:0007298, OMIM 117360.
Gillespie syndrome (GLSP). Also called: Aniridia, cerebellar ataxia, and mental deficiency; Aniridia-cerebellar ataxia-intellectual disability syndrome. Identifiers: Orphanet 1065, MedGen C0431401, MONDO:0008795, OMIM 206700.

Submission:

Juno Genomics, Hangzhou Juno Genomics, Inc
Classification: Uncertain significance for Spinocerebellar ataxia type 29; Gillespie syndrome; Spinocerebellar ataxia type 15/16. Review status: criteria provided, single submitter. Criteria: ACMG Guidelines, 2015. Collection method: clinical testing. Allele origin: germline.
Comment: Absent from controls (or at extremely low frequency if recessive) in Genome Aggregation Database.;Multiple lines of computational evidence support a deleterious effect on the gene or gene product.;Missense variant in a gene that has a low rate of benign missense variation.;Located in a mutational hot spot and/or critical and well-established functional domain without benign variation.